The following is an entry in ClinVar:

ClinVar aggregate classification (germline): Uncertain significance (1 of 4 stars; one submission).

Submission:

CeGaT Center for Human Genetics Tuebingen
Classification: Uncertain significance. Last evaluated: 2025-08-01. Review status: criteria provided, single submitter. Criteria: CeGaT Center For Human Genetics Tuebingen Variant Classification Criteria Version 2. Collection method: clinical testing. Allele origin: germline. Affected: yes. Observed: 2 variant alleles.
Comment: CACNA1F: PM2, PP3

NM_001256789.3(CACNA1F):c.913G>A (p.Gly305Arg)

Gene: CACNA1F (calcium voltage-gated channel subunit alpha1 F; minus strand). Cytogenetic location: Xp11.23.
Variant type: single nucleotide variant.
Coding change: c.913G>A on transcript NM_001256789.3 (MANE Select); coding-DNA position 913, G replaced by A.
Protein change: p.Gly305Arg; replaces glycine 305 with arginine.
Molecular consequence: missense variant.
Genome position (GRCh38, 1-based): chrX:49,228,352, C>T on the plus strand (G>A on the coding strand, the complement: CACNA1F is on the minus strand). VCF-style: chrX-49228352-C-T. GRCh37 (hg19) VCF-style: chrX-49084814-C-T.
Other names: c.718G>A, p.Gly240Arg (NM_001256790.3); c.913G>A, p.Gly305Arg (NM_005183.4); short protein forms G240R, G305R.
Identifiers: ClinVar variation 3905924 (VCV003905924.10).
Genomic context (GRCh38, chrX:49,228,352, plus strand): 5'-GGAAGACTGTCAGCATGGCGAAGAAGAAGTTGTCAAAGTTGGTGATGCCTCCATTGGGCC[C>T]TGGCCAGCGCCCGCGGCACTCAGTCTGGTTCAGCGTGCACGCACGCCCTGATCCCGAAGA-3'
Protein context (NP_001243718.1, residues 295-315): NQTECRGRWP[Gly305Arg]PNGGITNFDN